The following is an entry in ClinVar:

NM_002471.4(MYH6):c.1426C>G (p.Gln476Glu)

Gene: MYH6 (myosin heavy chain 6; minus strand). Cytogenetic location: 14q11.2.
Variant type: single nucleotide variant.
Coding change: c.1426C>G on transcript NM_002471.4 (MANE Select); coding-DNA position 1426, C replaced by G.
Protein change: p.Gln476Glu; replaces glutamine 476 with glutamic acid.
Molecular consequence: missense variant.
Genome position (GRCh38, 1-based): chr14:23,400,411, G>C on the plus strand (C>G on the coding strand, the complement: MYH6 is on the minus strand). VCF-style: chr14-23400411-G-C. GRCh37 (hg19) VCF-style: chr14-23869620-G-C.
Other names: short protein forms Q476E.
Identifiers: ClinVar variation 1304518 (VCV001304518.3), dbSNP rs1891562830, ClinGen allele CA389023096.

ClinVar aggregate classification (germline): Uncertain significance. Review status: criteria provided, multiple submitters, no conflicts (2 of 4 stars). 2 submissions from 2 submitters: Uncertain significance (2). Last evaluated 2026-01-24.

Conditions:
Cardiovascular phenotype. Identifiers: MedGen CN230736.

Submissions (2):

Ambry Genetics
Classification: Uncertain significance for Cardiovascular phenotype. Last evaluated: 2026-01-24. Review status: criteria provided, single submitter. Criteria: Ambry Variant Classification Scheme 2023. Collection method: clinical testing. Allele origin: germline.
Comment: The p.Q476E variant (also known as c.1426C>G), located in coding exon 12 of the MYH6 gene, results from a C to G substitution at nucleotide position 1426. The glutamine at codon 476 is replaced by glutamic acid, an amino acid with highly similar properties. This amino acid position is conserved. In addition, this alteration is predicted to be deleterious by in silico analysis. Based on the available evidence, the clinical significance of this variant remains unclear.

GeneDx
Classification: Uncertain significance. Last evaluated: 2019-01-22. Review status: criteria provided, single submitter. Criteria: GeneDx Variant Classification Process June 2021. Collection method: clinical testing. Allele origin: germline. Affected: yes.
Comment: Not observed in large population cohorts (Lek et al., 2016); In silico analysis, which includes protein predictors and evolutionary conservation, supports that this variant does not alter protein structure/function; Has not been previously published as pathogenic or benign to our knowledge